The following is an entry in ClinVar:

ClinVar aggregate classification (germline): Uncertain significance (1 of 4 stars; one submission).

Conditions:
Blau syndrome (BLAUS). Also called: GRANULOMATOSIS, FAMILIAL JUVENILE SYSTEMIC; GRANULOMATOSIS, FAMILIAL, BLAU TYPE; GRANULOMATOUS INFLAMMATORY ARTHRITIS, DERMATITIS, AND UVEITIS, FAMILIAL; JABS SYNDROME; ARTHROCUTANEOUVEAL GRANULOMATOSIS. Identifiers: Orphanet 90340, MedGen C5201146, MONDO:0008523, OMIM 186580.
Regional enteritis. Also called: Enteritis, Granulomatous. Identifiers: MedGen C0678202, MeSH D003424.

Submission:

Labcorp Genetics (formerly Invitae), Labcorp
Classification: Uncertain significance for Regional enteritis; Blau syndrome. Last evaluated: 2023-12-25. Review status: criteria provided, single submitter. Criteria: Invitae Variant Classification Sherloc (09022015). Collection method: clinical testing. Allele origin: germline.
Comment: This sequence change replaces leucine, which is neutral and non-polar, with proline, which is neutral and non-polar, at codon 288 of the NOD2 protein (p.Leu288Pro). This variant is not present in population databases (gnomAD no frequency). This variant has not been reported in the literature in individuals affected with NOD2-related conditions. Advanced modeling of protein sequence and biophysical properties (such as structural, functional, and spatial information, amino acid conservation, physicochemical variation, residue mobility, and thermodynamic stability) performed at Invitae indicates that this missense variant is not expected to disrupt NOD2 protein function with a negative predictive value of 95%. In summary, the available evidence is currently insufficient to determine the role of this variant in disease. Therefore, it has been classified as a Variant of Uncertain Significance.

NM_001370466.1(NOD2):c.782T>C (p.Leu261Pro)

Gene: NOD2 (nucleotide binding oligomerization domain containing 2; plus strand). Cytogenetic location: 16q12.1.
Variant type: single nucleotide variant.
Coding change: c.782T>C on transcript NM_001370466.1 (MANE Select); coding-DNA position 782, T replaced by C.
Protein change: p.Leu261Pro; replaces leucine 261 with proline.
Molecular consequence: missense variant. On other transcripts: non-coding transcript variant (1).
Genome position (GRCh38, 1-based): chr16:50,710,774, T>C. VCF-style: chr16-50710774-T-C. GRCh37 (hg19) VCF-style: chr16-50744685-T-C.
Other names: c.782T>C, p.Leu261Pro (NM_001293557.2); c.863T>C, p.Leu288Pro (NM_022162.3); short protein forms L288P, L261P.
Identifiers: ClinVar variation 2921442 (VCV002921442.3), dbSNP rs2506396694, ClinGen allele CA395867726.